The following is an entry in ClinVar:

ClinVar aggregate classification (germline): Uncertain significance (1 of 4 stars; one submission).

Conditions:
Hereditary cancer-predisposing syndrome. Also called: Hereditary Cancer Syndrome; Neoplastic Syndromes, Hereditary; Tumor predisposition; Hereditary neoplastic syndrome. Identifiers: Orphanet 140162, MedGen C0027672, MeSH D009386, MONDO:0015356.

Submission:

Ambry Genetics
Classification: Uncertain significance for Hereditary cancer-predisposing syndrome. Last evaluated: 2025-11-26. Review status: criteria provided, single submitter. Criteria: Ambry Variant Classification Scheme 2023. Collection method: clinical testing. Allele origin: germline.
Comment: The p.N1792T variant (also known as c.5375A>C), located in coding exon 15 of the APC gene, results from an A to C substitution at nucleotide position 5375. The asparagine at codon 1792 is replaced by threonine, an amino acid with similar properties. This amino acid position is conserved. In addition, in silico predictors for this gene do not accurately predict pathogenicity. Missense variants in APC are not a common cause of disease (Spier I et al. Genet Med. 2024 Feb;26(2):100992). Based on the available evidence, the clinical significance of this variant remains unclear.

NM_000038.6(APC):c.5375A>C (p.Asn1792Thr)

Gene: APC (APC regulator of Wnt signaling pathway; plus strand). Cytogenetic location: 5q22.2.
Variant type: single nucleotide variant.
Coding change: c.5375A>C on transcript NM_000038.6 (MANE Select); coding-DNA position 5375, A replaced by C.
Protein change: p.Asn1792Thr; replaces asparagine 1792 with threonine.
Molecular consequence: missense variant.
Genome position (GRCh38, 1-based): chr5:112,840,969, A>C. VCF-style: chr5-112840969-A-C. GRCh37 (hg19) VCF-style: chr5-112176666-A-C.
Other names: c.5126A>C, p.Asn1709Thr (NM_001407455.1, NM_001407456.1, NM_001407457.1 and 1 more transcripts); c.5072A>C, p.Asn1691Thr (NM_001407458.1, NM_001407459.1, NM_001407460.1 and 1 more transcripts); c.4988A>C, p.Asn1663Thr (NM_001407467.1, NM_001407469.1); c.4526A>C, p.Asn1509Thr (NM_001407470.1, NM_001354906.2); c.4223A>C, p.Asn1408Thr (NM_001407471.1, NM_001407472.1); c.5375A>C, p.Asn1792Thr (NM_001127510.3, NM_001354895.2, NM_001407450.1); c.5321A>C, p.Asn1774Thr (NM_001127511.3); c.5429A>C, p.Asn1810Thr (NM_001354896.2, NM_001407447.1, NM_001407448.1 and 1 more transcripts); and 11 more; short protein forms N1408T, N1666T, N1701T, N1767T, N1774T, N1792T, N1709T, N1733T.
Identifiers: ClinVar variation 1747117 (VCV001747117.3), dbSNP rs1580659354, ClinGen allele CA16033077.